The following is an entry in ClinVar:

ClinVar aggregate classification (germline): Pathogenic (1 of 4 stars; one submission).

gnomAD v4.1: 1 of 1,612,652 alleles (0.000062%); no homozygotes.

Submission:

Labcorp Genetics (formerly Invitae), Labcorp
Classification: Pathogenic. Last evaluated: 2022-10-04. Review status: criteria provided, single submitter. Criteria: Invitae Variant Classification Sherloc (09022015). Collection method: clinical testing. Allele origin: germline.
Comment: This sequence change creates a premature translational stop signal (p.Tyr81*) in the RASGRP2 gene. It is expected to result in an absent or disrupted protein product. Loss-of-function variants in RASGRP2 are known to be pathogenic (PMID: 27235135, 27663674). This variant is not present in population databases (gnomAD no frequency). This variant has not been reported in the literature in individuals affected with RASGRP2-related conditions. For these reasons, this variant has been classified as Pathogenic.

Literature cited by the submitters: PubMed 27235135; PubMed 27663674.

NM_001098671.2(RASGRP2):c.243C>G (p.Tyr81Ter)

Gene: RASGRP2 (RAS guanyl releasing protein 2; minus strand). Cytogenetic location: 11q13.1.
Variant type: single nucleotide variant.
Coding change: c.243C>G on transcript NM_001098671.2 (MANE Select); coding-DNA position 243, C replaced by G.
Protein change: p.Tyr81Ter; replaces tyrosine 81 with a stop codon.
Molecular consequence: nonsense. On other transcripts: 5 prime UTR variant (1).
Genome position (GRCh38, 1-based): chr11:64,741,076, G>C on the plus strand (C>G on the coding strand, the complement: RASGRP2 is on the minus strand). VCF-style: chr11-64741076-G-C. GRCh37 (hg19) VCF-style: chr11-64508548-G-C.
Other names: c.243C>G, p.Tyr81Ter (NM_001098670.2, NM_153819.2); c.-193C>G (NM_001318398.2); short protein forms Y81*.
Identifiers: ClinVar variation 2114720 (VCV002114720.4), dbSNP rs764301648, ClinGen allele CA381155211.
Genomic context (GRCh38, chr11:64,741,076, plus strand): 5'-CTTGATCTGCTCAGCCAACTCCGGGTTCAAGTCAAACTCCGCTGGGAAGGCGGAGATCCA[G>C]TACCTGGAGGAGCGGGGAGTCACCCAAGATAGCCCTTCCCCCACCATCACCCAGCAGGCT-3'